The following is an entry in ClinVar:

ClinVar aggregate classification (germline): Pathogenic. Review status: criteria provided, single submitter (1 of 4 stars). 2 submissions from 2 submitters: Pathogenic (1). 1 of the submissions does not count toward it. Last evaluated 2024-04-01.

Conditions:
Galactosylceramide beta-galactosidase deficiency. Also called: GALACTOCEREBROSIDASE DEFICIENCY; GALC DEFICIENCY; GLOBOID CELL LEUKOENCEPHALOPATHY; Leukodystrophy, Globoid Cell; Krabbe Disease. Identifiers: Orphanet 487, MedGen C0023521, MONDO:0009499, OMIM 245200.

gnomAD v4.1: 3 of 1,607,144 alleles (0.00019%); highest among the groups gnomAD compares: Non-Finnish European, 0.00025%; no homozygotes.

Submissions (2):

Natera, Inc.
Classification: Pathogenic for Galactosylceramide beta-galactosidase deficiency. Last evaluated: 2024-04-01. Review status: criteria provided, single submitter. Criteria: Natera Variant Classification Schema (03/2026). Collection method: clinical testing. Allele origin: germline.
Comment: The c.908+1G>T variant in GALC is a canonical splice donor site variant predicted to affect pre-mRNA splicing, which may result in an abnormal transcript and altered protein product. This variant is expected to result in nonsense mediated decay, truncation, or a dysfunctional protein product. This variant is rare in the general population with a frequency below the threshold expected for the associated phenotype(s). Another variant at this same site results in an alteration predicted to cause a similar molecular effect has been observed in individual(s) with the associated phenotype. Given the available evidence, this variant is classified as Pathogenic.

Counsyl
Classification: Likely pathogenic for Galactosylceramide beta-galactosidase deficiency. Last evaluated: 2017-03-07. Review status: no assertion criteria provided. Collection method: clinical testing. Allele origin: unknown. Not counted in ClinVar's aggregate classification.

NM_000153.4(GALC):c.908+1G>T

Gene: GALC (galactosylceramidase; minus strand). Cytogenetic location: 14q31.3.
Variant type: single nucleotide variant.
Coding change: c.908+1G>T on transcript NM_000153.4 (MANE Select); the canonical splice donor site of the intron after coding-DNA position 908, G replaced by T.
Molecular consequence: splice donor variant.
Genome position (GRCh38, 1-based): chr14:87,968,334, C>A on the plus strand (G>T on the coding strand, the complement: GALC is on the minus strand). VCF-style: chr14-87968334-C-A. GRCh37 (hg19) VCF-style: chr14-88434678-C-A.
Other names: c.830+1G>T (NM_001201402.2); c.839+1G>T (NM_001201401.2).
Identifiers: ClinVar variation 551017 (VCV000551017.3), dbSNP rs750524447, ClinGen allele CA390747679.
Genomic context (GRCh38, chr14:87,968,334, plus strand): 5'-CTAACTCTTATGTTTTTAAATTTTTTTTGATAAGAACTCTAAAAGGTTTTTAATAACTTA[C>A]GAAGTCATATAGCCATTGATATAATTCTGATTTAAAATGCGACCCCAGCAGCCTGCACCC-3'